The following is an entry in ClinVar:

ClinVar aggregate classification (germline): Uncertain significance (1 of 4 stars; one submission).

Conditions:
RASopathy. Also called: Noonan spectrum disorder; rasopathies. Identifiers: Orphanet 536391, MedGen C5555857, MONDO:0021060.

Allele frequency attached by ClinVar (database versions not stated): TOPMed below 0.00001.
gnomAD v4.1: 2 of 1,550,826 alleles (0.00013%); no homozygotes.

Submission:

Labcorp Genetics (formerly Invitae), Labcorp
Classification: Uncertain significance for RASopathy. Last evaluated: 2025-06-12. Review status: criteria provided, single submitter. Criteria: Invitae Variant Classification Sherloc (09022015). Collection method: clinical testing. Allele origin: germline.
Comment: This sequence change replaces alanine, which is neutral and non-polar, with valine, which is neutral and non-polar, at codon 399 of the MAP2K2 protein (p.Ala399Val). The frequency data for this variant in the population databases is considered unreliable, as metrics indicate poor data quality at this position in the gnomAD database. This variant has not been reported in the literature in individuals affected with MAP2K2-related conditions. ClinVar contains an entry for this variant (Variation ID: 2081253). Invitae Evidence Modeling of protein sequence and biophysical properties (such as structural, functional, and spatial information, amino acid conservation, physicochemical variation, residue mobility, and thermodynamic stability) indicates that this missense variant is not expected to disrupt MAP2K2 protein function with a negative predictive value of 95%. In summary, the available evidence is currently insufficient to determine the role of this variant in disease. Therefore, it has been classified as a Variant of Uncertain Significance.

NM_030662.4(MAP2K2):c.1196C>T (p.Ala399Val)

Gene: MAP2K2 (mitogen-activated protein kinase kinase 2; minus strand). Cytogenetic location: 19p13.3.
Variant type: single nucleotide variant.
Coding change: c.1196C>T on transcript NM_030662.4 (MANE Select); coding-DNA position 1196, C replaced by T.
Protein change: p.Ala399Val; replaces alanine 399 with valine.
Molecular consequence: missense variant.
Genome position (GRCh38, 1-based): chr19:4,090,605, G>A on the plus strand (C>T on the coding strand, the complement: MAP2K2 is on the minus strand). VCF-style: chr19-4090605-G-A. GRCh37 (hg19) VCF-style: chr19-4090603-G-A.
Other names: short protein forms A399V.
Identifiers: ClinVar variation 2081253 (VCV002081253.4), dbSNP rs912154933, ClinGen allele CA304445692.